The following is an entry in ClinVar:

ClinVar aggregate classification (germline): Likely benign (1 of 4 stars; one submission).

Submission:

CeGaT Center for Human Genetics Tuebingen
Classification: Likely benign. Last evaluated: 2026-09-01. Review status: criteria provided, single submitter. Criteria: CeGaT Center For Human Genetics Tuebingen Variant Classification Criteria Version 2. Collection method: clinical testing. Allele origin: germline. Affected: yes. Observed: 1 variant allele.
Comment: CLIP2: BS1

NM_003388.5(CLIP2):c.-72C>T

Genes: CLIP2 (CAP-Gly domain containing linker protein 2; plus strand), LOC129998640 (ATAC-STARR-seq lymphoblastoid silent region 18277; plus strand). Cytogenetic location: 7q11.23.
Variant type: single nucleotide variant.
Coding change: c.-72C>T on transcript NM_003388.5 (MANE Select); 72 bases upstream of the start codon, C replaced by T.
Molecular consequence: 5 prime UTR variant.
Genome position (GRCh38, 1-based): chr7:74,289,730, C>T. VCF-style: chr7-74289730-C-T. GRCh37 (hg19) VCF-style: chr7-73704060-C-T.
Other names: c.-72C>T (NM_032421.3).
Identifiers: ClinVar variation 5041414 (VCV005041414.1).
Genomic context (GRCh38, chr7:74,289,730, plus strand): 5'-CCGAGAGGAGGAGGCCGGGGCTCTCCGGGCCTCCCGCCGCTTAGCCTGATGCTGGAAGGA[C>T]GAAGGTAGGGGCTGCTGGAGGGGCCGAGGGAGGGGGTCGCGCGGGCAACAAAGGACGGAG-3'